The following is an entry in ClinVar:

NM_033026.6(PCLO):c.2387A>T (p.Lys796Ile)

Gene: PCLO (piccolo presynaptic cytomatrix protein; minus strand). Cytogenetic location: 7q21.11.
Variant type: single nucleotide variant.
Coding change: c.2387A>T on transcript NM_033026.6 (MANE Select); coding-DNA position 2387, A replaced by T.
Protein change: p.Lys796Ile; replaces lysine 796 with isoleucine.
Molecular consequence: missense variant.
Genome position (GRCh38, 1-based): chr7:83,135,163, T>A on the plus strand (A>T on the coding strand, the complement: PCLO is on the minus strand). VCF-style: chr7-83135163-T-A. GRCh37 (hg19) VCF-style: chr7-82764479-T-A.
Other names: c.2387A>T, p.Lys796Ile (NM_014510.3); short protein forms K796I.
Identifiers: ClinVar variation 2128590 (VCV002128590.4), dbSNP rs2484837785, ClinGen allele CA367901159.

ClinVar aggregate classification (germline): Uncertain significance (1 of 4 stars; one submission).

Allele frequency attached by ClinVar (database versions not stated): gnomAD exomes 0.00001.
gnomAD v4.1: 3 of 1,613,888 alleles (0.00019%); highest among the groups gnomAD compares: Non-Finnish European, 0.00025%; no homozygotes.

Submission:

Labcorp Genetics (formerly Invitae), Labcorp
Classification: Uncertain significance. Last evaluated: 2022-04-20. Review status: criteria provided, single submitter. Criteria: Invitae Variant Classification Sherloc (09022015). Collection method: clinical testing. Allele origin: germline.
Comment: In summary, the available evidence is currently insufficient to determine the role of this variant in disease. Therefore, it has been classified as a Variant of Uncertain Significance. Algorithms developed to predict the effect of missense changes on protein structure and function are either unavailable or do not agree on the potential impact of this missense change (SIFT: "Tolerated"; PolyPhen-2: "Not Available"; Align-GVGD: "Class C0"). This sequence change replaces lysine, which is basic and polar, with isoleucine, which is neutral and non-polar, at codon 796 of the PCLO protein (p.Lys796Ile). This variant is not present in population databases (gnomAD no frequency). This variant has not been reported in the literature in individuals affected with PCLO-related conditions.